The following is an entry in ClinVar:

ClinVar aggregate classification (germline): Likely benign (0 of 4 stars; one submission).

Conditions:
IFT74-related disorder. Also called: IFT74-related condition; IFT74-Related Disorders.

gnomAD v4.1: 4 of 1,594,186 alleles (0.00025%); highest among the groups gnomAD compares: Admixed American, 0.0054%; no homozygotes.

Submission:

PreventionGenetics, part of Exact Sciences
Classification: Likely benign for IFT74-related condition. Last evaluated: 2021-03-31. Review status: no assertion criteria provided. Collection method: clinical testing. Allele origin: germline.
Comment: This variant is classified as likely benign based on ACMG/AMP sequence variant interpretation guidelines (Richards et al. 2015 PMID: 25741868, with internal and published modifications).

NM_025103.4(IFT74):c.1398A>G (p.Glu466=)

Gene: IFT74 (intraflagellar transport 74; plus strand). Cytogenetic location: 9p21.2.
Variant type: single nucleotide variant.
Coding change: c.1398A>G on transcript NM_025103.4 (MANE Select); coding-DNA position 1398, A replaced by G.
Protein change: p.Glu466=; no amino-acid change (glutamic acid 466 retained).
Molecular consequence: synonymous variant.
Genome position (GRCh38, 1-based): chr9:27,055,673, A>G. VCF-style: chr9-27055673-A-G. GRCh37 (hg19) VCF-style: chr9-27055671-A-G.
Other names: c.1398A>G, p.Glu466= (NM_001099222.3, NM_001099223.3, NM_001349928.2).
Identifiers: ClinVar variation 3357261 (VCV003357261.1).